The following is an entry in ClinVar:

ClinVar aggregate classification (germline): Uncertain significance (1 of 4 stars; one submission).

Submission:

Labcorp Genetics (formerly Invitae), Labcorp
Classification: Uncertain significance. Last evaluated: 2026-02-03. Review status: criteria provided, single submitter. Criteria: Invitae Variant Classification Sherloc (09022015). Collection method: clinical testing. Allele origin: germline.
Comment: This sequence change replaces leucine, which is neutral and non-polar, with proline, which is neutral and non-polar, at codon 449 of the RORB protein (p.Leu449Pro). This variant is not present in population databases (gnomAD no frequency). This variant has not been reported in the literature in individuals affected with RORB-related conditions. An algorithm developed to predict the effect of missense changes on protein structure and function (PolyPhen-2) suggests that this variant is likely to be disruptive. In summary, the available evidence is currently insufficient to determine the role of this variant in disease. Therefore, it has been classified as a Variant of Uncertain Significance.

NM_006914.4(RORB):c.1346T>C (p.Leu449Pro)

Genes: RORB (RAR related orphan receptor B; plus strand), LOC124310566 (Sharpr-MPRA regulatory region 9792; plus strand). Cytogenetic location: 9q21.13.
Variant type: single nucleotide variant.
Coding change: c.1346T>C on transcript NM_006914.4 (MANE Select); coding-DNA position 1346, T replaced by C.
Protein change: p.Leu449Pro; replaces leucine 449 with proline.
Molecular consequence: missense variant.
Genome position (GRCh38, 1-based): chr9:74,685,584, T>C. VCF-style: chr9-74685584-T-C. GRCh37 (hg19) VCF-style: chr9-77300500-T-C.
Other names: c.1379T>C, p.Leu460Pro (NM_001365023.1); short protein forms L449P, L460P.
Identifiers: ClinVar variation 4736603 (VCV004736603.1).